The following is an entry in ClinVar:

ClinVar aggregate classification (germline): Likely pathogenic (1 of 4 stars; one submission).

Conditions:
Joubert syndrome. Also called: CEREBELLOPARENCHYMAL DISORDER IV; JOUBERT-BOLTSHAUSER SYNDROME; Familial aplasia of the vermis. Identifiers: Orphanet 475, MedGen C5979921, MONDO:0018772.

Submission:

Labcorp Genetics (formerly Invitae), Labcorp
Classification: Likely pathogenic for Joubert syndrome. Last evaluated: 2023-02-05. Review status: criteria provided, single submitter. Criteria: Invitae Variant Classification Sherloc (09022015). Collection method: clinical testing. Allele origin: germline.
Comment: In summary, the currently available evidence indicates that the variant is pathogenic, but additional data are needed to prove that conclusively. Therefore, this variant has been classified as Likely Pathogenic. Algorithms developed to predict the effect of sequence changes on RNA splicing suggest that this variant may disrupt the consensus splice site. This variant has not been reported in the literature in individuals affected with AHI1-related conditions. This variant is not present in population databases (gnomAD no frequency). This sequence change affects a donor splice site in intron 19 of the AHI1 gene. It is expected to disrupt RNA splicing. Variants that disrupt the donor or acceptor splice site typically lead to a loss of protein function (PMID: 16199547), and loss-of-function variants in AHI1 are known to be pathogenic (PMID: 15322546, 16453322, 28442542, 29186038).

Literature cited by the submitters: PubMed 16199547; PubMed 15322546; PubMed 16453322; PubMed 28442542; PubMed 29186038.

NM_001134831.2(AHI1):c.2764+2T>C

Gene: AHI1 (Abelson helper integration site 1; minus strand). Cytogenetic location: 6q23.3.
Variant type: single nucleotide variant.
Coding change: c.2764+2T>C on transcript NM_001134831.2 (MANE Select); the canonical splice donor site of the intron after coding-DNA position 2764, T replaced by C.
Molecular consequence: splice donor variant.
Genome position (GRCh38, 1-based): chr6:135,427,165, A>G on the plus strand (T>C on the coding strand, the complement: AHI1 is on the minus strand). VCF-style: chr6-135427165-A-G. GRCh37 (hg19) VCF-style: chr6-135748303-A-G.
Other names: c.2764+2T>C (NM_001134830.2, NM_001350503.2, NM_017651.5 and 2 more transcripts).
Identifiers: ClinVar variation 2824241 (VCV002824241.3), dbSNP rs1419492897, ClinGen allele CA365740740.
Genomic context (GRCh38, chr6:135,427,165, plus strand): 5'-TGGTTTAGTCTAAATGTAAAGGTTACTCTAAAAATTCTTTACTTATCAAGTGGTAGACTT[A>G]CCATGGAAATCGTAAATATACAGAAGAATTGGCTCATTTTGCCCAAATGCACAGAATGCA-3'